The following is an entry in ClinVar:

ClinVar aggregate classification (germline): Uncertain significance. Review status: criteria provided, multiple submitters, no conflicts (2 of 4 stars). 2 submissions from 2 submitters: Uncertain significance (2). Last evaluated 2025-08-01.

Conditions:
Hereditary pancreatitis (PCTT). Also called: Hereditary chronic pancreatitis; PRSS1-Related Hereditary Pancreatitis. Identifiers: Orphanet 676, MedGen C0238339, MONDO:0008185, OMIM 167800.

Submissions (2):

Ambry Genetics
Classification: Uncertain significance for Hereditary pancreatitis. Last evaluated: 2025-08-01. Review status: criteria provided, single submitter. Criteria: Ambry Variant Classification Scheme 2023. Collection method: clinical testing. Allele origin: germline.
Comment: The p.V255L variant (also known as c.763G>C), located in coding exon 7 of the CTRC gene, results from a G to C substitution at nucleotide position 763. The valine at codon 255 is replaced by leucine, an amino acid with highly similar properties. This amino acid position is conserved. In addition, this alteration is predicted to be deleterious by in silico analysis. Since supporting evidence is limited at this time, the clinical significance of this alteration remains unclear.

Labcorp Genetics (formerly Invitae), Labcorp
Classification: Uncertain significance for Hereditary pancreatitis. Last evaluated: 2023-12-01. Review status: criteria provided, single submitter. Criteria: Invitae Variant Classification Sherloc (09022015). Collection method: clinical testing. Allele origin: germline.
Comment: This sequence change replaces valine, which is neutral and non-polar, with leucine, which is neutral and non-polar, at codon 255 of the CTRC protein (p.Val255Leu). This variant is not present in population databases (gnomAD no frequency). This variant has not been reported in the literature in individuals affected with CTRC-related conditions. ClinVar contains an entry for this variant (Variation ID: 1759936). Advanced modeling of protein sequence and biophysical properties (such as structural, functional, and spatial information, amino acid conservation, physicochemical variation, residue mobility, and thermodynamic stability) performed at Invitae indicates that this missense variant is not expected to disrupt CTRC protein function with a negative predictive value of 80%. In summary, the available evidence is currently insufficient to determine the role of this variant in disease. Therefore, it has been classified as a Variant of Uncertain Significance.

NM_007272.3(CTRC):c.763G>C (p.Val255Leu)

Gene: CTRC (chymotrypsin C; plus strand). Cytogenetic location: 1p36.21.
Variant type: single nucleotide variant.
Coding change: c.763G>C on transcript NM_007272.3 (MANE Select); coding-DNA position 763, G replaced by C.
Protein change: p.Val255Leu; replaces valine 255 with leucine.
Molecular consequence: missense variant.
Genome position (GRCh38, 1-based): chr1:15,445,720, G>C. VCF-style: chr1-15445720-G-C. GRCh37 (hg19) VCF-style: chr1-15772215-G-C.
Other names: short protein forms V255L.
Identifiers: ClinVar variation 1759936 (VCV001759936.6), dbSNP rs111372278, ClinGen allele CA338567934.
Genomic context (GRCh38, chr1:15,445,720, plus strand): 5'-GTCAGCTTTGGCTCCCGGCGGGGCTGCAACACCCGCAAGAAGCCGGTAGTCTACACCCGG[G>C]TGTCCGCCTACATCGACTGGATCAACGAGGTGGGTGCTGCCTCCACAGCTGTCCCTGCAC-3'
Protein context (NP_009203.2, residues 245-265): TRKKPVVYTR[Val255Leu]SAYIDWINEK